The following is an entry in ClinVar:

ClinVar aggregate classification (germline): Uncertain significance. Review status: criteria provided, single submitter (1 of 4 stars). 2 submissions from 2 submitters: Uncertain significance (1). 1 of the submissions does not count toward it. Last evaluated 2024-02-06.

Conditions:
Focal segmental glomerulosclerosis 6 (FSGS6). Identifiers: Orphanet 656, MedGen C3279905, MONDO:0013589, OMIM 614131.
MYO1E-related disorder. Also called: MYO1E-related condition.

Allele frequency attached by ClinVar (database versions not stated): gnomAD 0.00001; gnomAD exomes 0.00001; ExAC 0.00003.
gnomAD v4.1: 22 of 1,614,118 alleles (0.0014%); highest among the groups gnomAD compares: East Asian, 0.016%; no homozygotes.

Submissions (2):

Fulgent Genetics
Classification: Uncertain significance for Focal segmental glomerulosclerosis 6. Last evaluated: 2024-02-06. Review status: criteria provided, single submitter. Criteria: ACMG Guidelines, 2015. Collection method: clinical testing. Allele origin: germline.

PreventionGenetics, part of Exact Sciences
Classification: Likely benign for MYO1E-related condition. Last evaluated: 2019-08-08. Review status: no assertion criteria provided. Collection method: clinical testing. Allele origin: germline. Not counted in ClinVar's aggregate classification.
Comment: This variant is classified as likely benign based on ACMG/AMP sequence variant interpretation guidelines (Richards et al. 2015 PMID: 25741868, with internal and published modifications).

NM_004998.4(MYO1E):c.1032C>T (p.Asn344=)

Gene: MYO1E (myosin IE; minus strand). Cytogenetic location: 15q22.2.
Variant type: single nucleotide variant.
Coding change: c.1032C>T on transcript NM_004998.4 (MANE Select); coding-DNA position 1032, C replaced by T.
Protein change: p.Asn344=; no amino-acid change (asparagine 344 retained).
Molecular consequence: synonymous variant.
Genome position (GRCh38, 1-based): chr15:59,217,966, G>A on the plus strand (C>T on the coding strand, the complement: MYO1E is on the minus strand). VCF-style: chr15-59217966-G-A. GRCh37 (hg19) VCF-style: chr15-59510165-G-A.
Identifiers: ClinVar variation 3035482 (VCV003035482.3), dbSNP rs748090595, ClinGen allele CA7590103.